The following is an entry in ClinVar:

NM_018671.5(UNC45A):c.585T>C (p.Asn195=)

Gene: UNC45A (unc-45 myosin chaperone A; plus strand). Cytogenetic location: 15q26.1.
Variant type: single nucleotide variant.
Coding change: c.585T>C on transcript NM_018671.5 (MANE Select); coding-DNA position 585, T replaced by C.
Protein change: p.Asn195=; no amino-acid change (asparagine 195 retained).
Molecular consequence: synonymous variant.
Genome position (GRCh38, 1-based): chr15:90,940,371, T>C. VCF-style: chr15-90940371-T-C. GRCh37 (hg19) VCF-style: chr15-91483601-T-C.
Other names: c.540T>C, p.Asn180= (NM_001039675.2, NM_001323621.2); c.585T>C, p.Asn195= (NM_001323619.1); c.150T>C, p.Asn50= (NM_001323620.2).
Identifiers: ClinVar variation 1608440 (VCV001608440.9), dbSNP rs750628902, ClinGen allele CA7742597.

ClinVar aggregate classification (germline): Likely benign. Review status: criteria provided, multiple submitters, no conflicts (2 of 4 stars). 2 submissions from 2 submitters: Likely benign (2). Last evaluated 2026-06-24.

Conditions:
UNC45A-related disorder. Also called: UNC45A-related condition.

Allele frequency attached by ClinVar (database versions not stated): gnomAD exomes 0.00001 and 0.00007; ExAC 0.00002; gnomAD 0.00003 and 0.00004.
gnomAD v4.1: 112 of 1,613,998 alleles (0.0069%); highest among the groups gnomAD compares: Non-Finnish European, 0.0092%; no homozygotes.

Submissions (2):

PreventionGenetics, part of Exact Sciences
Classification: Likely benign for UNC45A-related condition. Last evaluated: 2026-06-24. Review status: criteria provided, single submitter. Criteria: ACMG Guidelines, 2015. Collection method: clinical testing. Allele origin: germline.
Comment: This variant is classified as likely benign based on ACMG/AMP sequence variant interpretation guidelines (Richards et al. 2015 PMID: 25741868, with internal and published modifications).

Labcorp Genetics (formerly Invitae), Labcorp
Classification: Likely benign. Last evaluated: 2025-10-06. Review status: criteria provided, single submitter. Criteria: Invitae Variant Classification Sherloc (09022015). Collection method: clinical testing. Allele origin: germline.